The following is an entry in ClinVar:

NM_005529.7(HSPG2):c.3010T>A (p.Ser1004Thr)

Gene: HSPG2 (heparan sulfate proteoglycan 2; minus strand). Cytogenetic location: 1p36.12.
Variant type: single nucleotide variant.
Coding change: c.3010T>A on transcript NM_005529.7 (MANE Select); coding-DNA position 3010, T replaced by A.
Protein change: p.Ser1004Thr; replaces serine 1004 with threonine.
Molecular consequence: missense variant.
Genome position (GRCh38, 1-based): chr1:21,876,036, A>T on the plus strand (T>A on the coding strand, the complement: HSPG2 is on the minus strand). VCF-style: chr1-21876036-A-T. GRCh37 (hg19) VCF-style: chr1-22202529-A-T.
Other names: c.3010T>A (NM_005529.5); c.3013T>A, p.Ser1005Thr (NM_001291860.2); short protein forms S1004T, S1005T.
Identifiers: ClinVar variation 1330525 (VCV001330525.13), dbSNP rs775214455, ClinGen allele CA672782.
Genomic context (GRCh38, chr1:21,876,036, plus strand): 5'-GGGGTGTGGAGCCCGGCTGGGACCTCTGGGTCACTGTGAAGCGCAGCTCTCCTCCATAGG[A>T]GGTCACCTGGGACCAGGGTTAGACAGGAGCTTGCGGAGGCCTGAATTCGGGCCCTGTCAC-3'
Protein context (NP_005520.4, residues 994-1014): PSRFLGDKVT[Ser1004Thr]YGGELRFTVT

ClinVar aggregate classification (germline): Uncertain significance. Review status: criteria provided, multiple submitters, no conflicts (2 of 4 stars). 4 submissions from 4 submitters: Uncertain significance (4). Last evaluated 2025-06-30.

Conditions:
Inborn genetic diseases. Identifiers: MedGen C0950123, MeSH D030342.

Allele frequency attached by ClinVar (database versions not stated): ExAC 0.00002; gnomAD 0.00002; gnomAD exomes 0.00002; TOPMed 0.00005.
gnomAD v4.1: 36 of 1,613,766 alleles (0.0022%); highest among the groups gnomAD compares: Middle Eastern, 0.23%; no homozygotes.

Submissions (4):

Ambry Genetics
Classification: Uncertain significance for Inborn genetic diseases. Last evaluated: 2025-06-30. Review status: criteria provided, single submitter. Criteria: Ambry Variant Classification Scheme 2023. Collection method: clinical testing. Allele origin: germline.

GeneDx
Classification: Uncertain significance. Last evaluated: 2023-04-20. Review status: criteria provided, single submitter. Criteria: GeneDx Variant Classification Process June 2021. Collection method: clinical testing. Allele origin: germline. Affected: yes.
Comment: In silico analysis supports that this missense variant does not alter protein structure/function; Has not been previously published as pathogenic or benign to our knowledge

Labcorp Genetics (formerly Invitae), Labcorp
Classification: Uncertain significance. Last evaluated: 2022-06-03. Review status: criteria provided, single submitter. Criteria: Invitae Variant Classification Sherloc (09022015). Collection method: clinical testing. Allele origin: germline.
Comment: This variant is present in population databases (rs775214455, gnomAD 0.004%). This sequence change replaces serine, which is neutral and polar, with threonine, which is neutral and polar, at codon 1004 of the HSPG2 protein (p.Ser1004Thr). This variant has not been reported in the literature in individuals affected with HSPG2-related conditions. In summary, the available evidence is currently insufficient to determine the role of this variant in disease. Therefore, it has been classified as a Variant of Uncertain Significance. Algorithms developed to predict the effect of missense changes on protein structure and function are either unavailable or do not agree on the potential impact of this missense change (SIFT: "Tolerated"; PolyPhen-2: "Probably Damaging"; Align-GVGD: "Class C0"). ClinVar contains an entry for this variant (Variation ID: 1330525).

ARUP Laboratories, Molecular Genetics and Genomics, ARUP Laboratories
Classification: Uncertain significance. Last evaluated: 2021-07-16. Review status: criteria provided, single submitter. Criteria: ARUP Molecular Germline Variant Investigation Process 2021. Collection method: clinical testing. Allele origin: germline.
Comment: The HSPG2 c.3010T>A; p.Ser1004Thr variant (rs775214455), to our knowledge, is not reported in the medical literature or gene specific databases. This variant is only observed on five alleles in the Genome Aggregation Database, indicating it is not a common polymorphism. The serine at codon 1004 is moderately conserved, and computational analyses are uncertain whether this variant is neutral or deleterious (REVEL: 0.346). Due to limited information, the clinical significance of this variant is uncertain at this time.